The following is an entry in ClinVar:

ClinVar aggregate classification (germline): Likely benign. Review status: criteria provided, multiple submitters, no conflicts (2 of 4 stars). 3 submissions from 3 submitters: Likely benign (2). 1 of the submissions does not count toward it. Last evaluated 2026-06-22.

Conditions:
Ehlers-Danlos syndrome, classic type, 1 (EDSCL1). Also called: EHLERS-DANLOS SYNDROME, GRAVIS TYPE; EHLERS-DANLOS SYNDROME, SEVERE CLASSIC TYPE; Ehlers-Danlos Syndrome, Classic Type, COL5A1-Related; Ehlers-Danlos syndrome, type 1; EDS I. Identifiers: MedGen C0268335, MONDO:0019567, OMIM 130000.
COL5A1-related disorder. Also called: COL5A1-related condition.
Familial thoracic aortic aneurysm and aortic dissection (TAAD). Also called: Thoracic aortic aneurysms and dissections. Identifiers: Orphanet 91387, MedGen C4707243, MONDO:0019625.

Allele frequency attached by ClinVar (database versions not stated): gnomAD exomes 0.00001 and 0.00003; ExAC 0.00002; TOPMed 0.00001.
gnomAD v4.1: 20 of 1,613,654 alleles (0.0012%); highest among the groups gnomAD compares: Admixed American, 0.0083%; no homozygotes.

Submissions (3):

Ambry Genetics
Classification: Likely benign for Familial thoracic aortic aneurysm and aortic dissection. Last evaluated: 2026-06-22. Review status: criteria provided, single submitter. Criteria: Ambry Variant Classification Scheme 2023. Collection method: clinical testing. Allele origin: germline.

Labcorp Genetics (formerly Invitae), Labcorp
Classification: Likely benign for Ehlers-Danlos syndrome, classic type, 1. Last evaluated: 2024-10-05. Review status: criteria provided, single submitter. Criteria: Invitae Variant Classification Sherloc (09022015). Collection method: clinical testing. Allele origin: germline.

PreventionGenetics, part of Exact Sciences
Classification: Likely benign for COL5A1-related condition. Last evaluated: 2023-05-24. Review status: no assertion criteria provided. Collection method: clinical testing. Allele origin: germline. Not counted in ClinVar's aggregate classification.
Comment: This variant is classified as likely benign based on ACMG/AMP sequence variant interpretation guidelines (Richards et al. 2015 PMID: 25741868, with internal and published modifications).

NM_000093.5(COL5A1):c.3529-4G>A

Gene: COL5A1 (collagen type V alpha 1 chain; plus strand). Cytogenetic location: 9q34.3.
Variant type: single nucleotide variant.
Coding change: c.3529-4G>A on transcript NM_000093.5 (MANE Select); 4 bases into the intron before coding-DNA position 3529, G replaced by A.
Molecular consequence: intron variant.
Genome position (GRCh38, 1-based): chr9:134,811,335, G>A. VCF-style: chr9-134811335-G-A. GRCh37 (hg19) VCF-style: chr9-137703181-G-A.
Other names: c.3529-4G>A (NM_001278074.1, NM_000093.4).
Identifiers: ClinVar variation 1673722 (VCV001673722.13), dbSNP rs779064113, ClinGen allele CA5319924.